The following is an entry in ClinVar:

ClinVar aggregate classification (germline): Likely benign. Review status: criteria provided, multiple submitters, no conflicts (2 of 4 stars). 3 submissions from 3 submitters: Likely benign (3). Last evaluated 2025-11-10.

Conditions:
Hereditary cancer-predisposing syndrome. Also called: Neoplastic Syndromes, Hereditary; Hereditary neoplastic syndrome; Hereditary Cancer Syndrome; Tumor predisposition. Identifiers: Orphanet 140162, MedGen C0027672, MeSH D009386, MONDO:0015356.
POLD1-related polyposis and colorectal cancer syndrome (CRCS10). Also called: Colorectal cancer, susceptibility to, 10; Colorectal cancer 10; COLORECTAL CANCER, SUSCEPTIBILITY TO, ON CHROMOSOME 19q. Identifiers: Orphanet 220460, MedGen C2675481, MONDO:0012953, OMIM 612591.

Allele frequency attached by ClinVar (database versions not stated): gnomAD exomes below 0.00001; TOPMed below 0.00001; gnomAD 0.00001.
gnomAD v4.1: 7 of 1,610,506 alleles (0.00043%); highest among the groups gnomAD compares: African/African-American, 0.0027%; no homozygotes.

Submissions (3):

Labcorp Genetics (formerly Invitae), Labcorp
Classification: Likely benign for POLD1-related polyposis and colorectal cancer syndrome. Last evaluated: 2025-11-10. Review status: criteria provided, single submitter. Criteria: Invitae Variant Classification Sherloc (09022015). Collection method: clinical testing. Allele origin: germline.

Ambry Genetics
Classification: Likely benign for Hereditary cancer-predisposing syndrome. Last evaluated: 2019-02-28. Review status: criteria provided, single submitter. Criteria: Ambry Variant Classification Scheme 2023. Collection method: clinical testing. Allele origin: germline.

GeneDx
Classification: Likely benign. Last evaluated: 2016-07-13. Review status: criteria provided, single submitter. Criteria: GeneDx Variant Classification (06012015). Collection method: clinical testing. Allele origin: germline. Affected: yes.
Comment: This variant is considered likely benign or benign based on one or more of the following criteria: it is a conservative change, it occurs at a poorly conserved position in the protein, it is predicted to be benign by multiple in silico algorithms, and/or has population frequency not consistent with disease.

NM_002691.4(POLD1):c.2493C>T (p.Ala831=)

Gene: POLD1 (DNA polymerase delta 1, catalytic subunit; plus strand). Cytogenetic location: 19q13.33.
Variant type: single nucleotide variant.
Coding change: c.2493C>T on transcript NM_002691.4 (MANE Select); coding-DNA position 2493, C replaced by T.
Protein change: p.Ala831=; no amino-acid change (alanine 831 retained).
Molecular consequence: synonymous variant. On other transcripts: non-coding transcript variant (1).
Genome position (GRCh38, 1-based): chr19:50,414,919, C>T. VCF-style: chr19-50414919-C-T. GRCh37 (hg19) VCF-style: chr19-50918176-C-T.
Other names: c.2493C>T, p.Ala831= (NM_001256849.1); c.2571C>T, p.Ala857= (NM_001308632.1).
Identifiers: ClinVar variation 387700 (VCV000387700.14), dbSNP rs1057522877, ClinGen allele CA16608368.